The following is an entry in ClinVar:

ClinVar aggregate classification (germline): Benign (1 of 4 stars; one submission).

Conditions:
Factor 5 and Factor VIII, combined deficiency of, 2. Identifiers: Orphanet 35909, MedGen C3150889, MONDO:0013331, OMIM 613625.

Allele frequency attached by ClinVar (database versions not stated): gnomAD 0.06636 and 0.06645; TOPMed 0.07338; gnomAD exomes 0.03251; 1000 Genomes Project 0.09724; 1000 Genomes Project 30x 0.09947.
gnomAD v4.1: 12,296 of 222,694 alleles (5.5%); highest among the groups gnomAD compares: African/African-American, 15%; 676 homozygotes.

Submission:

Illumina Laboratory Services, Illumina
Classification: Benign for Factor 5 and Factor VIII, combined deficiency of, 2. Last evaluated: 2018-01-12. Review status: criteria provided, single submitter. Criteria: ICSL Variant Classification Criteria 13 December 2019. Collection method: clinical testing. Allele origin: germline.
Comment: This variant was observed in the ICSL laboratory as part of a predisposition screen in an ostensibly healthy population. It had not been previously curated by ICSL or reported in the Human Gene Mutation Database (HGMD: prior to June 1st, 2018), and was therefore a candidate for classification through an automated scoring system. Utilizing variant allele frequency, disease prevalence and penetrance estimates, and inheritance mode, an automated score was calculated to assess if this variant is too frequent to cause the disease. Based on the score and internal cut-off values, a variant classified as benign is not then subjected to further curation. The score for this variant resulted in a classification of benign for this disease.

NM_139279.6(MCFD2):c.*498A>G

Genes: MCFD2 (multiple coagulation factor deficiency 2, ER cargo receptor complex subunit; minus strand), MCFD2-AS1 (MCFD2 antisense RNA 1; plus strand). Cytogenetic location: 2p21.
Variant type: single nucleotide variant.
Coding change: c.*498A>G on transcript NM_139279.6 (MANE Select); 498 bases downstream of the stop codon, A replaced by G.
Molecular consequence: 3 prime UTR variant.
Genome position (GRCh38, 1-based): chr2:46,904,965, T>C on the plus strand (A>G on the coding strand, the complement: MCFD2 is on the minus strand). VCF-style: chr2-46904965-T-C. GRCh37 (hg19) VCF-style: chr2-47132104-T-C.
Other names: c.*498A>G (NM_001171506.2, NM_001171507.2, NM_001171508.2 and 3 more transcripts).
Identifiers: ClinVar variation 336372 (VCV000336372.5), dbSNP rs144674773, ClinGen allele CA10615697.